The following is an entry in ClinVar:

ClinVar aggregate classification (germline): Pathogenic. Review status: criteria provided, single submitter (1 of 4 stars). 2 submissions from 2 submitters: Pathogenic (1). 1 of the submissions does not count toward it. Last evaluated 2025-10-21.

Conditions:
DPAGT1-congenital disorder of glycosylation. Also called: DPAGT1-CDG; CDG Ij; CONGENITAL DISORDER OF GLYCOSYLATION, TYPE Ij. Identifiers: Orphanet 86309, MedGen C2931004, MONDO:0011964, OMIM 608093.
Congenital myasthenic syndrome 13 (CMS13). Also called: Myasthenic syndrome, congenital, 13, with tubular aggregates; Myasthenic syndrome, congenital, with tubular aggregates 2. Identifiers: Orphanet 353327, Orphanet 590, MedGen C3553645, MONDO:0013883, OMIM 614750.

Allele frequency attached by ClinVar (database versions not stated): gnomAD 0.00001; gnomAD exomes 0.00001.

Submissions (2):

Labcorp Genetics (formerly Invitae), Labcorp
Classification: Pathogenic for Congenital myasthenic syndrome 13; DPAGT1-congenital disorder of glycosylation. Last evaluated: 2025-10-21. Review status: criteria provided, single submitter. Criteria: Invitae Variant Classification Sherloc (09022015). Collection method: clinical testing. Allele origin: germline.
Comment: This sequence change creates a premature translational stop signal (p.Thr234Hisfs*116) in the DPAGT1 gene. It is expected to result in an absent or disrupted protein product. Loss-of-function variants in DPAGT1 are known to be pathogenic (PMID: 22742743). This variant is present in population databases (rs397515321, gnomAD 0.002%). This premature translational stop signal has been observed in individual(s) with congenital myasthenic syndrome (PMID: 22742743). ClinVar contains an entry for this variant (Variation ID: 36920). For these reasons, this variant has been classified as Pathogenic.

OMIM
Classification: Pathogenic for MYASTHENIC SYNDROME, CONGENITAL, 13. Last evaluated: 2012-07-13. Review status: no assertion criteria provided. Collection method: literature only. Allele origin: germline. Not counted in ClinVar's aggregate classification.

Literature cited by the submitters: PubMed 22742743 (cited by Labcorp Genetics (formerly Invitae), Labcorp and OMIM).

NM_001382.4(DPAGT1):c.699dup (p.Thr234fs)

Gene: DPAGT1 (dolichyl-phosphate N-acetylglucosaminephosphotransferase 1; minus strand). Cytogenetic location: 11q23.3.
Variant type: Duplication.
Coding change: c.699dup on transcript NM_001382.4 (MANE Select); coding-DNA position 699, one base duplicated (C; older notation c.699dupC).
Protein change: p.Thr234fs; shifts the reading frame from threonine 234.
Molecular consequence: frameshift variant.
Genome position (GRCh38, 1-based): chr11:119,098,432, G duplicated on the plus strand (C on the coding strand, the reverse complement: DPAGT1 is on the minus strand). VCF-style (leftmost placement, unchanged base first): chr11-119098431-T-TG. GRCh37 (hg19) VCF-style: chr11-118969141-T-TG.
Other names: short protein forms T234fs.
Identifiers: ClinVar variation 36920 (VCV000036920.4), dbSNP rs397515321, ClinGen allele CA129973.
Genomic context (GRCh38, chr11:119,098,431, plus strand): 5'-GTAGTTGTCCCCTTATCCACAGGCCTACTTACCAGTTGTGGTAGAGCAATCCCAAAGTGG[T>TG]GAAAAAAAAGGGTATCATGAAGTAGAGGGAAAAGACATGATCATCCCGACAATCACCTTT-3'